The following is an entry in ClinVar:

ClinVar aggregate classification (germline): Uncertain significance (1 of 4 stars; one submission).

Conditions:
Epileptic encephalopathy. Identifiers: MedGen C0543888, HP:0200134.

Allele frequency attached by ClinVar (database versions not stated): gnomAD 0.00001; ExAC 0.00002; gnomAD exomes 0.00002; TOPMed 0.00003.
gnomAD v4.1: 42 of 1,613,806 alleles (0.0026%); highest among the groups gnomAD compares: African/African-American, 0.008%; no homozygotes.

Submission:

Labcorp Genetics (formerly Invitae), Labcorp
Classification: Uncertain significance for Epileptic encephalopathy. Last evaluated: 2022-08-16. Review status: criteria provided, single submitter. Criteria: Invitae Variant Classification Sherloc (09022015). Collection method: clinical testing. Allele origin: germline.
Comment: In summary, the available evidence is currently insufficient to determine the role of this variant in disease. Therefore, it has been classified as a Variant of Uncertain Significance. Algorithms developed to predict the effect of sequence changes on RNA splicing suggest that this variant may create or strengthen a splice site. Algorithms developed to predict the effect of missense changes on protein structure and function output the following: SIFT: "Tolerated"; PolyPhen-2: "Possibly Damaging"; Align-GVGD: "Class C0". The glutamine amino acid residue is found in multiple mammalian species, which suggests that this missense change does not adversely affect protein function. ClinVar contains an entry for this variant (Variation ID: 1058643). This variant has not been reported in the literature in individuals affected with RYR3-related conditions. This variant is present in population databases (rs779248524, gnomAD 0.004%). This sequence change replaces arginine, which is basic and polar, with glutamine, which is neutral and polar, at codon 1987 of the RYR3 protein (p.Arg1987Gln).

NM_001036.6(RYR3):c.5960G>A (p.Arg1987Gln)

Gene: RYR3 (ryanodine receptor 3; plus strand). Cytogenetic location: 15q14.
Variant type: single nucleotide variant.
Coding change: c.5960G>A on transcript NM_001036.6 (MANE Select); coding-DNA position 5960, G replaced by A.
Protein change: p.Arg1987Gln; replaces arginine 1987 with glutamine.
Molecular consequence: missense variant.
Genome position (GRCh38, 1-based): chr15:33,696,317, G>A. VCF-style: chr15-33696317-G-A. GRCh37 (hg19) VCF-style: chr15-33988518-G-A.
Other names: c.5960G>A, p.Arg1987Gln (NM_001243996.4); short protein forms R1987Q.
Identifiers: ClinVar variation 1058643 (VCV001058643.9), dbSNP rs779248524, ClinGen allele CA7459411.
Genomic context (GRCh38, chr15:33,696,317, plus strand): 5'-GGGCCCAGGAGGACCAGATCCAGGATTCAGAGCTGGTCCGAATGATGTTCAACCTCCTCC[G>A]GAGGCAGTATGACAGCATTGGGGAGCTGCTGCAGGCGCTGCGGAAGACCTACACCATCAG-3'
Protein context (NP_001027.3, residues 1977-1997): ELVRMMFNLL[Arg1987Gln]RQYDSIGELL